The following is an entry in ClinVar:

NM_002485.5(NBN):c.2131C>T (p.His711Tyr)

Gene: NBN (nibrin; minus strand). Cytogenetic location: 8q21.3.
Variant type: single nucleotide variant.
Coding change: c.2131C>T on transcript NM_002485.5 (MANE Select); coding-DNA position 2131, C replaced by T.
Protein change: p.His711Tyr; replaces histidine 711 with tyrosine.
Molecular consequence: missense variant.
Genome position (GRCh38, 1-based): chr8:89,943,306, G>A on the plus strand (C>T on the coding strand, the complement: NBN is on the minus strand). VCF-style: chr8-89943306-G-A. GRCh37 (hg19) VCF-style: chr8-90955534-G-A.
Other names: c.1885C>T, p.His629Tyr (NM_001024688.3); short protein forms H711Y, H629Y.
Identifiers: ClinVar variation 578376 (VCV000578376.21), dbSNP rs780333168, ClinGen allele CA181273288.

ClinVar aggregate classification (germline): Uncertain significance. Review status: criteria provided, multiple submitters, no conflicts (2 of 4 stars). 5 submissions from 5 submitters: Uncertain significance (4). 1 of the submissions does not count toward it. Last evaluated 2025-09-19.

Conditions:
Microcephaly, normal intelligence and immunodeficiency (NBS). Also called: BERLIN BREAKAGE SYNDROME; SEEMANOVA SYNDROME II; Ataxia telangiectasia variant V1; IMMUNODEFICIENCY, MICROCEPHALY, AND CHROMOSOMAL INSTABILITY; Immunodeficiency, microcephaly with normal intelligence; Nijmegen breakage syndrome. Identifiers: Orphanet 647, MedGen C0398791, MONDO:0009623, OMIM 251260.
Hereditary cancer-predisposing syndrome. Also called: Hereditary neoplastic syndrome; Tumor predisposition; Hereditary Cancer Syndrome; Neoplastic Syndromes, Hereditary. Identifiers: Orphanet 140162, MedGen C0027672, MeSH D009386, MONDO:0015356.
Aplastic anemia. Identifiers: Orphanet 182040, Orphanet 88, MedGen C0002874, MONDO:0015909, OMIM 609135, HP:0001915.

Allele frequency attached by ClinVar (database versions not stated): TOPMed below 0.00001.

Submissions (5):

Ambry Genetics
Classification: Uncertain significance for Hereditary cancer-predisposing syndrome. Last evaluated: 2025-09-19. Review status: criteria provided, single submitter. Criteria: Ambry Variant Classification Scheme 2023. Collection method: clinical testing. Allele origin: germline.
Comment: The p.H711Y variant (also known as c.2131C>T), located in coding exon 14 of the NBN gene, results from a C to T substitution at nucleotide position 2131. The histidine at codon 711 is replaced by tyrosine, an amino acid with similar properties. This variant was reported in 1/60,466 breast cancer cases and in 0/53,461 controls (Dorling et al. N Engl J Med. 2021 02;384:428-439). This amino acid position is well conserved in available vertebrate species. In addition, this alteration is predicted to be tolerated by in silico analysis. Since supporting evidence is limited at this time, the clinical significance of this alteration remains unclear.

Baylor Genetics
Classification: Uncertain significance for Aplastic anemia. Last evaluated: 2023-12-12. Review status: criteria provided, single submitter. Criteria: ACMG Guidelines, 2015. Collection method: clinical testing. Allele origin: unknown.

Labcorp Genetics (formerly Invitae), Labcorp
Classification: Uncertain significance for Microcephaly, normal intelligence and immunodeficiency. Last evaluated: 2022-02-18. Review status: criteria provided, single submitter. Criteria: Invitae Variant Classification Sherloc (09022015). Collection method: clinical testing. Allele origin: germline.
Comment: This sequence change replaces histidine, which is basic and polar, with tyrosine, which is neutral and polar, at codon 711 of the NBN protein (p.His711Tyr). This variant is not present in population databases (gnomAD no frequency). This variant has not been reported in the literature in individuals affected with NBN-related conditions. ClinVar contains an entry for this variant (Variation ID: 578376). Algorithms developed to predict the effect of missense changes on protein structure and function output the following: SIFT: "Tolerated"; PolyPhen-2: "Benign"; Align-GVGD: "Class C0". The tyrosine amino acid residue is found in multiple mammalian species, which suggests that this missense change does not adversely affect protein function. In summary, the available evidence is currently insufficient to determine the role of this variant in disease. Therefore, it has been classified as a Variant of Uncertain Significance.

Genome-Nilou Lab
Classification: Uncertain significance for Microcephaly, normal intelligence and immunodeficiency. Last evaluated: 2021-11-07. Review status: criteria provided, single submitter. Criteria: ACMG Guidelines, 2015. Collection method: clinical testing. Allele origin: germline. Affected: no.

Natera, Inc.
Classification: Uncertain significance for Nijmegen breakage syndrome. Last evaluated: 2021-02-10. Review status: no assertion criteria provided. Collection method: clinical testing. Allele origin: germline. Not counted in ClinVar's aggregate classification.

Literature cited by the submitters: PubMed 33471991 (cited by Ambry Genetics).